The following is an entry in ClinVar:

ClinVar aggregate classification (germline): Conflicting classifications of pathogenicity. Review status: criteria provided, conflicting classifications (1 of 4 stars). 2 submissions from 2 submitters: Uncertain significance (1); Likely benign (1). Last evaluated 2026-05-14.

Conditions:
SEPTIN9-related disorder. Also called: SEPTIN9-related condition.

Allele frequency attached by ClinVar (database versions not stated): ExAC 0.00013; gnomAD 0.00018; 1000 Genomes Project 0.00040; 1000 Genomes Project 30x 0.00047.
gnomAD v4.1: 60 of 1,589,028 alleles (0.0038%); highest among the groups gnomAD compares: African/African-American, 0.038%; no homozygotes.

Submissions (2):

PreventionGenetics, part of Exact Sciences
Classification: Likely benign for SEPTIN9-related condition. Last evaluated: 2026-05-14. Review status: criteria provided, single submitter. Criteria: ACMG Guidelines, 2015. Collection method: clinical testing. Allele origin: germline.
Comment: This variant is classified as likely benign based on ACMG/AMP sequence variant interpretation guidelines (Richards et al. 2015 PMID: 25741868, with internal and published modifications).

Labcorp Genetics (formerly Invitae), Labcorp
Classification: Uncertain significance. Last evaluated: 2024-06-22. Review status: criteria provided, single submitter. Criteria: Invitae Variant Classification Sherloc (09022015). Collection method: clinical testing. Allele origin: germline.
Comment: This sequence change replaces arginine, which is basic and polar, with tryptophan, which is neutral and slightly polar, at codon 219 of the SEPT9 protein (p.Arg219Trp). This variant is present in population databases (rs562811871, gnomAD 0.06%), and has an allele count higher than expected for a pathogenic variant. This variant has not been reported in the literature in individuals affected with SEPT9-related conditions. ClinVar contains an entry for this variant (Variation ID: 2445484). Advanced modeling of protein sequence and biophysical properties (such as structural, functional, and spatial information, amino acid conservation, physicochemical variation, residue mobility, and thermodynamic stability) performed at Invitae indicates that this missense variant is not expected to disrupt SEPT9 protein function with a negative predictive value of 80%. In summary, the available evidence is currently insufficient to determine the role of this variant in disease. Therefore, it has been classified as a Variant of Uncertain Significance.

NM_001113491.2(SEPTIN9):c.709C>T (p.Arg237Trp)

Gene: SEPTIN9 (septin 9; plus strand). Cytogenetic location: 17q25.3.
Variant type: single nucleotide variant.
Coding change: c.709C>T on transcript NM_001113491.2 (MANE Select); coding-DNA position 709, C replaced by T.
Protein change: p.Arg237Trp; replaces arginine 237 with tryptophan.
Molecular consequence: missense variant.
Genome position (GRCh38, 1-based): chr17:77,402,691, C>T. VCF-style: chr17-77402691-C-T. GRCh37 (hg19) VCF-style: chr17-75398773-C-T.
Other names: c.709C>T (NM_001113491.1); c.217C>T, p.Arg73Trp (NM_001113492.2, NM_001113494.1); c.688C>T, p.Arg230Trp (NM_001113493.2); c.652C>T, p.Arg218Trp (NM_001293695.2); c.655C>T, p.Arg219Trp (NM_006640.5); short protein forms R218W, R219W, R230W, R237W, R73W.
Identifiers: ClinVar variation 2445484 (VCV002445484.5), dbSNP rs562811871, ClinGen allele CA8793268.